The following is an entry in ClinVar:

ClinVar aggregate classification (germline): Likely pathogenic (1 of 4 stars; one submission).

Conditions:
Autosomal recessive limb-girdle muscular dystrophy. Identifiers: Orphanet 102015, MedGen C2931907, MONDO:0015152.

Submission:

Myriad Genetics, Inc.
Classification: Likely pathogenic for Autosomal recessive limb-girdle muscular dystrophy. Last evaluated: 2022-03-05. Review status: criteria provided, single submitter. Criteria: Myriad Autosomal Dominant, Autosomal Recessive and X-Linked Classification Criteria (2023). Collection method: clinical testing. Allele origin: unknown.
Comment: NM_003494.3(DYSF):c.3197delG(G1066Afs*54) is expected to be pathogenic in the context of dysferlinopathy. This variant is predicted to lead to an abnormal or absent protein product due to the creation of a premature termination codon in DYSF, a gene where loss-of-function variants are known to be pathogenic. Please note: this variant was assessed in the context of healthy population screening.

NM_001130987.2(DYSF):c.3251del (p.Gly1084fs)

Gene: DYSF (dysferlin; plus strand). Cytogenetic location: 2p13.2.
Variant type: Deletion.
Coding change: c.3251del on transcript NM_001130987.2 (MANE Select); coding-DNA position 3251, one base deleted (G; older notation c.3251delG).
Protein change: p.Gly1084fs; shifts the reading frame from glycine 1084.
Molecular consequence: frameshift variant.
Genome position (GRCh38, 1-based): chr2:71,574,220, G deleted; the last of 3 consecutive G bases (chr2:71,574,218-71,574,220); deleting any one gives the same sequence. VCF-style (leftmost placement, unchanged base first): chr2-71574217-AG-A. GRCh37 (hg19) VCF-style: chr2-71801347-AG-A.
Other names: c.3200del, p.Gly1067fs (NM_001130455.2, NM_001130983.2); c.3155del, p.Gly1052fs (NM_001130976.2, NM_001130977.2); c.3197del, p.Gly1066fs (NM_001130978.2, NM_003494.4); c.3290del, p.Gly1097fs (NM_001130979.2); c.3248del, p.Gly1083fs (NM_001130980.2, NM_001130981.2); c.3293del, p.Gly1098fs (NM_001130982.2); c.3158del, p.Gly1053fs (NM_001130984.2, NM_001130986.2); c.3251del, p.Gly1084fs (NM_001130985.2); short protein forms G1052fs, G1053fs, G1066fs, G1067fs, G1083fs, G1084fs, G1097fs, G1098fs.
Identifiers: ClinVar variation 1725015 (VCV001725015.3), dbSNP rs2152822956, ClinGen allele CA2580067862.